The following is an entry in ClinVar:

NM_203446.3(SYNJ1):c.3637C>G (p.Arg1213Gly)

Gene: SYNJ1 (synaptojanin 1; minus strand). Cytogenetic location: 21q22.11.
Variant type: single nucleotide variant.
Coding change: c.3637C>G on transcript NM_203446.3 (MANE Select); coding-DNA position 3637, C replaced by G.
Protein change: p.Arg1213Gly; replaces arginine 1213 with glycine.
Molecular consequence: missense variant.
Genome position (GRCh38, 1-based): chr21:32,639,731, G>C on the plus strand (C>G on the coding strand, the complement: SYNJ1 is on the minus strand). VCF-style: chr21-32639731-G-C. GRCh37 (hg19) VCF-style: chr21-34012041-G-C.
Other names: c.3589C>G, p.Arg1197Gly (NM_001160302.2); c.3496C>G, p.Arg1166Gly (NM_001160306.2); c.3754C>G, p.Arg1252Gly (NM_003895.4); short protein forms R1166G, R1197G, R1213G, R1252G.
Identifiers: ClinVar variation 1419418 (VCV001419418.5), dbSNP rs779662077, ClinGen allele CA10003302.
Genomic context (GRCh38, chr21:32,639,731, plus strand): 5'-CTTTCGACGTTTCTGATGTTTTGCTTTGGCTTTCAGGAGTCAGTCTTCCAGCAGATGCCC[G>C]CGCGTGGCTCTGTGGGGCACTGATAACTCCAGCACGAGGAGGAATCGTCTACAGATAGGA-3'
Protein context (NP_982271.3, residues 1203-1223): GVISAPQSHA[Arg1213Gly]ASAGRLTPES

ClinVar aggregate classification (germline): Uncertain significance (1 of 4 stars; one submission).

Conditions:
Developmental and epileptic encephalopathy, 53. Also called: Epileptic encephalopathy, early infantile, 53. Identifiers: MedGen C4479313, MONDO:0033362, OMIM 617389.
Early-onset Parkinson disease 20. Also called: PARKINSON DISEASE 20, AUTOSOMAL RECESSIVE EARLY-ONSET. Identifiers: Orphanet 391411, MedGen C3809824, MONDO:0014233, OMIM 615530.

gnomAD v4.1: 55 of 1,613,978 alleles (0.0034%); highest among the groups gnomAD compares: Non-Finnish European, 0.0044%; no homozygotes.

Submission:

Labcorp Genetics (formerly Invitae), Labcorp
Classification: Uncertain significance for Developmental and epileptic encephalopathy, 53; Early-onset Parkinson disease 20. Last evaluated: 2025-03-31. Review status: criteria provided, single submitter. Criteria: Invitae Variant Classification Sherloc (09022015). Collection method: clinical testing. Allele origin: germline.
Comment: This sequence change replaces arginine, which is basic and polar, with glycine, which is neutral and non-polar, at codon 1252 of the SYNJ1 protein (p.Arg1252Gly). This variant is present in population databases (rs779662077, gnomAD 0.01%), including at least one homozygous and/or hemizygous individual. This variant has not been reported in the literature in individuals affected with SYNJ1-related conditions. ClinVar contains an entry for this variant (Variation ID: 1419418). Invitae Evidence Modeling of protein sequence and biophysical properties (such as structural, functional, and spatial information, amino acid conservation, physicochemical variation, residue mobility, and thermodynamic stability) indicates that this missense variant is not expected to disrupt SYNJ1 protein function with a negative predictive value of 80%. In summary, the available evidence is currently insufficient to determine the role of this variant in disease. Therefore, it has been classified as a Variant of Uncertain Significance.